The following is an entry in ClinVar:

ClinVar aggregate classification (germline): Uncertain significance. Review status: criteria provided, multiple submitters, no conflicts (2 of 4 stars). 2 submissions from 2 submitters: Uncertain significance (2). Last evaluated 2026-02-03.

Conditions:
EP300-related disorder. Also called: EP300-related disorders; EP300-related condition.

gnomAD v4.1: 9 of 1,614,194 alleles (0.00056%); highest among the groups gnomAD compares: Non-Finnish European, 0.00059%; no homozygotes.

Submissions (2):

PreventionGenetics, part of Exact Sciences
Classification: Uncertain significance for EP300-related condition. Last evaluated: 2026-02-03. Review status: criteria provided, single submitter. Criteria: ACMG Guidelines, 2015. Collection method: clinical testing. Allele origin: germline.
Comment: The EP300 c.7003C>G variant is predicted to result in the amino acid substitution p.Pro2335Ala. To our knowledge, this variant has not been reported in the literature or in a large population database (gnomAD), indicating this variant is rare. At this time, the clinical significance of this variant is uncertain due to the absence of conclusive functional and genetic evidence.

GeneDx
Classification: Uncertain significance. Last evaluated: 2022-08-18. Review status: criteria provided, single submitter. Criteria: GeneDx Variant Classification Process June 2021. Collection method: clinical testing. Allele origin: germline. Affected: yes.
Comment: Not observed at significant frequency in large population cohorts (gnomAD); In silico analysis supports that this missense variant has a deleterious effect on protein structure/function; Has not been previously published as pathogenic or benign to our knowledge

NM_001429.4(EP300):c.7003C>G (p.Pro2335Ala)

Gene: EP300 (EP300 lysine acetyltransferase; plus strand). Cytogenetic location: 22q13.2.
Variant type: single nucleotide variant.
Coding change: c.7003C>G on transcript NM_001429.4 (MANE Select); coding-DNA position 7003, C replaced by G.
Protein change: p.Pro2335Ala; replaces proline 2335 with alanine.
Molecular consequence: missense variant.
Genome position (GRCh38, 1-based): chr22:41,178,714, C>G. VCF-style: chr22-41178714-C-G. GRCh37 (hg19) VCF-style: chr22-41574718-C-G.
Other names: c.6925C>G, p.Pro2309Ala (NM_001362843.2); short protein forms P2309A, P2335A.
Identifiers: ClinVar variation 2430745 (VCV002430745.2), dbSNP rs780778684, ClinGen allele CA411683895.